The following is an entry in ClinVar:

NM_000535.7(PMS2):c.262dup (p.His88fs)

Gene: PMS2 (PMS1 homolog 2, mismatch repair system component; minus strand). Cytogenetic location: 7p22.1.
Variant type: Duplication.
Coding change: c.262dup on transcript NM_000535.7 (MANE Select); coding-DNA position 262, one base duplicated (C; older notation c.262dupC).
Protein change: p.His88fs; shifts the reading frame from histidine 88.
Molecular consequence: frameshift variant. On other transcripts: 5 prime UTR variant (35), non-coding transcript variant (1), intron variant (11).
Genome position (GRCh38, 1-based): chr7:6,003,781, G duplicated on the plus strand (C on the coding strand, the reverse complement: PMS2 is on the minus strand). VCF-style (leftmost placement, unchanged base first): chr7-6003780-T-TG. GRCh37 (hg19) VCF-style: chr7-6043411-T-TG.
Other names: c.-144dup (NM_001018040.1, NM_001322003.2, NM_001322004.2 and 14 more transcripts); c.262dup, p.His88fs (NM_001322006.2, NM_001322014.2, NM_001406869.1 and 8 more transcripts); c.-623dup (NM_001322011.2, NM_001322012.2); c.-223dup (NM_001322015.2, NM_001406875.1, NM_001406877.1 and 3 more transcripts); c.448dup, p.His150fs (NM_001406866.1); c.286dup, p.His96fs (NM_001406868.1); c.-170dup (NM_001406880.1); c.-91dup (NM_001406888.1, NM_001406889.1, NM_001406892.1 and 6 more transcripts); and 5 more; short protein forms H150fs, H88fs, H96fs.
Identifiers: ClinVar variation 2674275 (VCV002674275.1), dbSNP rs2536501303, ClinGen allele CA2695198440.

ClinVar aggregate classification (germline): Pathogenic (1 of 4 stars; one submission).

Conditions:
Lynch syndrome 4 (LYNCH4). Also called: Hereditary non-polyposis colorectal cancer, type 4; Colorectal cancer, hereditary nonpolyposis, type 4. Identifiers: Orphanet 144, MedGen C1838333, MONDO:0013699, OMIM 614337. Disease mechanism: loss of function.

Submission:

Myriad Genetics, Inc.
Classification: Pathogenic for Lynch syndrome 4. Last evaluated: 2023-09-18. Review status: criteria provided, single submitter. Criteria: Myriad Autosomal Dominant, Autosomal Recessive and X-Linked Classification Criteria (2023). Collection method: clinical testing. Allele origin: unknown.
Comment: This variant is considered pathogenic. This variant creates a frameshift predicted to result in premature protein truncation.